The following is an entry in ClinVar:

NM_006218.4(PIK3CA):c.2646dup (p.Asp883fs)

Gene: PIK3CA (phosphatidylinositol-4,5-bisphosphate 3-kinase catalytic subunit alpha; plus strand). Cytogenetic location: 3q26.32.
Variant type: Duplication.
Coding change: c.2646dup on transcript NM_006218.4 (MANE Select); coding-DNA position 2646, one base duplicated (A; older notation c.2646dupA).
Protein change: p.Asp883fs; shifts the reading frame from aspartic acid 883.
Molecular consequence: frameshift variant.
Genome position (GRCh38, 1-based): chr3:179,229,422, A duplicated; the last of 3 consecutive A bases (chr3:179,229,420-179,229,422); duplicating any one gives the same sequence. VCF-style (leftmost placement, unchanged base first): chr3-179229419-C-CA. GRCh37 (hg19) VCF-style: chr3-178947207-C-CA.
Other names: c.2646dup (LRG_310t1); short protein forms D883fs.
Identifiers: ClinVar variation 422905 (VCV000422905.2), dbSNP rs1553825266, ClinGen allele CA16617850.
Genomic context (GRCh38, chr3:179,229,419, plus strand): 5'-GTGCAAAGGCGGCTTGAAAGGTGCACTGCAGTTCAACAGCCACACACTACATCAGTGGCT[C>CA]AAAGACAAGAACAAAGGAGAAATGTGAGTTGTATTATTCTTTCTTCCTATGTTAATCTAA-3'

ClinVar aggregate classification (germline): Pathogenic (1 of 4 stars; one submission).

Submission:

GeneDx
Classification: Pathogenic. Last evaluated: 2017-01-12. Review status: criteria provided, single submitter. Criteria: GeneDx Variant Classification (06012015). Collection method: clinical testing. Allele origin: germline. Affected: yes.
Comment: The c.2646dupA variant in the PIK3CA gene has not been reported previously as a pathogenic variant nor as a benign variant, to our knowledge. This variant causes a frameshift starting with codon Aspartic Acid 883, changes this amino acid to an Arginine residue, and creates a premature Stop codon at position 9 of the new reading frame, denoted p.Asp883ArgfsX9. This variant is predicted to cause loss of normal protein function either through protein truncation or nonsense-mediated mRNA decay. The c.2646dupA variant was not observed in approximately 6000 individuals of European and African American ancestry in the NHLBI Exome Sequencing Project, indicating it is not a common benign variant in these populations. We interpret c.2646dupA as a pathogenic variant.